The following is an entry in ClinVar:

NM_006017.3(PROM1):c.253G>T (p.Glu85Ter)

Gene: PROM1 (prominin 1; minus strand). Cytogenetic location: 4p15.32.
Variant type: single nucleotide variant.
Coding change: c.253G>T on transcript NM_006017.3 (MANE Select); coding-DNA position 253, G replaced by T.
Protein change: p.Glu85Ter; replaces glutamic acid 85 with a stop codon.
Molecular consequence: nonsense.
Genome position (GRCh38, 1-based): chr4:16,038,969, C>A on the plus strand (G>T on the coding strand, the complement: PROM1 is on the minus strand). VCF-style: chr4-16038969-C-A. GRCh37 (hg19) VCF-style: chr4-16040592-C-A.
Other names: c.253G>T, p.Glu85Ter (NM_001145847.2, NM_001145848.2, NM_001145849.2 and 6 more transcripts); short protein forms E85*.
Identifiers: ClinVar variation 962482 (VCV000962482.7), dbSNP rs1734559010, ClinGen allele CA356430166.

ClinVar aggregate classification (germline): Pathogenic (1 of 4 stars; one submission).

Allele frequency attached by ClinVar (database versions not stated): gnomAD exomes below 0.00001.
gnomAD v4.1: 2 of 1,501,286 alleles (0.00013%); highest among the groups gnomAD compares: South Asian, 0.0014%; no homozygotes.

Submission:

Labcorp Genetics (formerly Invitae), Labcorp
Classification: Pathogenic. Last evaluated: 2022-10-13. Review status: criteria provided, single submitter. Criteria: Invitae Variant Classification Sherloc (09022015). Collection method: clinical testing. Allele origin: germline.
Comment: For these reasons, this variant has been classified as Pathogenic. ClinVar contains an entry for this variant (Variation ID: 962482). This variant has not been reported in the literature in individuals affected with PROM1-related conditions. This variant is not present in population databases (gnomAD no frequency). This sequence change creates a premature translational stop signal (p.Glu85*) in the PROM1 gene. It is expected to result in an absent or disrupted protein product. Loss-of-function variants in PROM1 are known to be pathogenic (PMID: 17605048, 19718270, 24154662, 25474345).

Literature cited by the submitters: PubMed 17605048; PubMed 19718270; PubMed 24154662; PubMed 25474345.